The following is an entry in ClinVar:

ClinVar aggregate classification (germline): Uncertain significance. Review status: criteria provided, multiple submitters, no conflicts (2 of 4 stars). 4 submissions from 4 submitters: Uncertain significance (4). Last evaluated 2025-06-29.

Conditions:
Familial isolated arrhythmogenic right ventricular dysplasia. Identifiers: Orphanet 217656, MedGen C4274968, MONDO:0016342.
Cardiovascular phenotype. Identifiers: MedGen CN230736.
Cardiomyopathy (CMYO). Also called: Cardiomyopathies. Identifiers: Orphanet 167848, MedGen C0878544, MONDO:0004994, HP:0001638. Inheritance: Various modes of inheritance.
Arrhythmogenic right ventricular dysplasia 11. Also called: Arrhythmogenic right ventricular dysplasia 11 with mild palmoplantar keratoderma and woolly hair; Arrhythmogenic Right Ventricular Dysplasia/Cardiomyopathy11; ARRHYTHMOGENIC RIGHT VENTRICULAR DYSPLASIA, FAMILIAL, 11. Identifiers: MedGen C1864850, MONDO:0012506, OMIM 610476.

Allele frequency attached by ClinVar (database versions not stated): TOPMed below 0.00001; gnomAD 0.00001; ESP Exome Variant Server 0.00008; gnomAD exomes 0.00001; ExAC 0.00004.
gnomAD v4.1: 6 of 1,613,296 alleles (0.00037%); highest among the groups gnomAD compares: Admixed American, 0.005%; no homozygotes.

Submissions (4):

Color Diagnostics, LLC DBA Color Health
Classification: Uncertain significance for Cardiomyopathy. Last evaluated: 2025-06-29. Review status: criteria provided, single submitter. Criteria: ACMG Guidelines, 2015. Collection method: clinical testing. Allele origin: germline.
Comment: This missense variant replaces glutamine with lysine at codon 160 of the DSC2 protein. Computational prediction suggests that this variant may not impact protein structure and function. To our knowledge, functional studies have not been reported for this variant. This variant has not been reported in individuals affected with DSC2-related disorders in the literature. This variant has been identified in 3/250804 chromosomes in the general population by the Genome Aggregation Database (gnomAD). The available evidence is insufficient to determine the role of this variant in disease conclusively. Therefore, this variant is classified as a Variant of Uncertain Significance.

Labcorp Genetics (formerly Invitae), Labcorp
Classification: Uncertain significance for Arrhythmogenic right ventricular dysplasia 11. Last evaluated: 2025-05-13. Review status: criteria provided, single submitter. Criteria: Invitae Variant Classification Sherloc (09022015). Collection method: clinical testing. Allele origin: germline.
Comment: This sequence change replaces glutamine, which is neutral and polar, with lysine, which is basic and polar, at codon 160 of the DSC2 protein (p.Gln160Lys). This variant is present in population databases (rs374844700, gnomAD 0.003%). This variant has not been reported in the literature in individuals affected with DSC2-related conditions. ClinVar contains an entry for this variant (Variation ID: 1346476). Invitae Evidence Modeling of protein sequence and biophysical properties (such as structural, functional, and spatial information, amino acid conservation, physicochemical variation, residue mobility, and thermodynamic stability) indicates that this missense variant is expected to disrupt DSC2 protein function with a positive predictive value of 80%. In summary, the available evidence is currently insufficient to determine the role of this variant in disease. Therefore, it has been classified as a Variant of Uncertain Significance.

Ambry Genetics
Classification: Uncertain significance for Cardiovascular phenotype. Last evaluated: 2023-12-10. Review status: criteria provided, single submitter. Criteria: Ambry Variant Classification Scheme 2023. Collection method: clinical testing. Allele origin: germline.
Comment: The p.Q160K variant (also known as c.478C>A), located in coding exon 5 of the DSC2 gene, results from a C to A substitution at nucleotide position 478. The glutamine at codon 160 is replaced by lysine, an amino acid with similar properties. This amino acid position is conserved. In addition, this alteration is predicted to be tolerated by in silico analysis. Since supporting evidence is limited at this time, the clinical significance of this alteration remains unclear.

All of Us Research Program, National Institutes of Health
Classification: Uncertain significance for Familial isolated arrhythmogenic right ventricular dysplasia. Last evaluated: 2023-07-10. Review status: criteria provided, single submitter. Criteria: ACMG Guidelines, 2015. Collection method: clinical testing. Allele origin: germline. Inheritance: Autosomal dominant inheritance. Observed: 1 variant allele, 1 heterozygote.
Comment: This missense variant replaces glutamine with lysine at codon 160 of the DSC2 protein. Computational prediction suggests that this variant may not impact protein structure and function (internally defined REVEL score threshold <= 0.5, PMID: 27666373). To our knowledge, functional studies have not been reported for this variant. This variant has not been reported in individuals affected with DSC2-related disorders in the literature. This variant has been identified in 3/250804 chromosomes in the general population by the Genome Aggregation Database (gnomAD). The available evidence is insufficient to determine the role of this variant in disease conclusively. Therefore, this variant is classified as a Variant of Uncertain Significance.

This study involves interpretation of variants in research participants for the purpose of population health screening. Participant phenotype was not available at the time of variant classification. Additional details can be found in publication PMID: 35346344, PMCID: PMC8962531

NM_024422.6(DSC2):c.478C>A (p.Gln160Lys)

Gene: DSC2 (desmocollin 2; minus strand). Cytogenetic location: 18q12.1.
Variant type: single nucleotide variant.
Coding change: c.478C>A on transcript NM_024422.6 (MANE Select); coding-DNA position 478, C replaced by A.
Protein change: p.Gln160Lys; replaces glutamine 160 with lysine.
Molecular consequence: missense variant.
Genome position (GRCh38, 1-based): chr18:31,089,591, G>T on the plus strand (C>A on the coding strand, the complement: DSC2 is on the minus strand). VCF-style: chr18-31089591-G-T. GRCh37 (hg19) VCF-style: chr18-28669554-G-T.
Other names: c.478C>A (NM_024422.3); c.478C>A, p.Gln160Lys (NM_004949.5); short protein forms Q160K.
Identifiers: ClinVar variation 1346476 (VCV001346476.10), dbSNP rs374844700, ClinGen allele CA038641.